The following is an entry in ClinVar:

ClinVar aggregate classification (germline): Uncertain significance. Review status: criteria provided, multiple submitters, no conflicts (2 of 4 stars). 2 submissions from 2 submitters: Uncertain significance (2). Last evaluated 2025-08-12.

Conditions:
Inborn genetic diseases. Identifiers: MedGen C0950123, MeSH D030342.

Allele frequency attached by ClinVar (database versions not stated): gnomAD exomes below 0.00001; ExAC 0.00001; gnomAD 0.00001; TOPMed 0.00001.
gnomAD v4.1: 9 of 1,613,948 alleles (0.00056%); highest among the groups gnomAD compares: Non-Finnish European, 0.000085%; no homozygotes.

Submissions (2):

Ambry Genetics
Classification: Uncertain significance for Inborn genetic diseases. Last evaluated: 2025-08-12. Review status: criteria provided, single submitter. Criteria: Ambry Variant Classification Scheme 2023. Collection method: clinical testing. Allele origin: germline.

Labcorp Genetics (formerly Invitae), Labcorp
Classification: Uncertain significance. Last evaluated: 2022-06-13. Review status: criteria provided, single submitter. Criteria: Invitae Variant Classification Sherloc (09022015). Collection method: clinical testing. Allele origin: germline.
Comment: This sequence change replaces proline, which is neutral and non-polar, with leucine, which is neutral and non-polar, at codon 568 of the MTTP protein (p.Pro568Leu). This variant is present in population databases (rs748681503, gnomAD 0.01%). This variant has not been reported in the literature in individuals affected with MTTP-related conditions. Algorithms developed to predict the effect of missense changes on protein structure and function are either unavailable or do not agree on the potential impact of this missense change (SIFT: "Deleterious"; PolyPhen-2: "Probably Damaging"; Align-GVGD: "Class C0"). In summary, the available evidence is currently insufficient to determine the role of this variant in disease. Therefore, it has been classified as a Variant of Uncertain Significance.

NM_001386140.1(MTTP):c.1703C>T (p.Pro568Leu)

Gene: MTTP (microsomal triglyceride transfer protein; plus strand). Cytogenetic location: 4q23.
Variant type: single nucleotide variant.
Coding change: c.1703C>T on transcript NM_001386140.1 (MANE Select); coding-DNA position 1703, C replaced by T.
Protein change: p.Pro568Leu; replaces proline 568 with leucine.
Molecular consequence: missense variant.
Genome position (GRCh38, 1-based): chr4:99,608,911, C>T. VCF-style: chr4-99608911-C-T. GRCh37 (hg19) VCF-style: chr4-100530068-C-T.
Other names: c.1703C>T (NM_000253.2); c.1703C>T, p.Pro568Leu (NM_000253.4); c.1454C>T, p.Pro485Leu (NM_001300785.2); short protein forms P485L, P568L.
Identifiers: ClinVar variation 2164841 (VCV002164841.2), dbSNP rs748681503, ClinGen allele CA3022159.
Genomic context (GRCh38, chr4:99,608,911, plus strand): 5'-TAAATAACAATCCATCCTACATGGACGTCAAGAACATCCTGCTGTCTATTGGGGAGCTTC[C>T]CCAAGAAATGAATAAATACATGCTCGCCATTGTTCAAGACATCCTACGTTTTGAAATGCC-3'
Protein context (NP_001373069.1, residues 558-578): KNILLSIGEL[Pro568Leu]QEMNKYMLAI